The following is an entry in ClinVar:

ClinVar aggregate classification (germline): Uncertain significance (1 of 4 stars; one submission).

Submission:

Labcorp Genetics (formerly Invitae), Labcorp
Classification: Uncertain significance. Last evaluated: 2022-03-15. Review status: criteria provided, single submitter. Criteria: Invitae Variant Classification Sherloc (09022015). Collection method: clinical testing. Allele origin: germline.
Comment: This variant has not been reported in the literature in individuals affected with PPP2CA-related conditions. In summary, the available evidence is currently insufficient to determine the role of this variant in disease. Therefore, it has been classified as a Variant of Uncertain Significance. Algorithms developed to predict the effect of missense changes on protein structure and function are either unavailable or do not agree on the potential impact of this missense change (SIFT: "Tolerated"; PolyPhen-2: "Possibly Damaging"; Align-GVGD: "Class C0"). This variant is not present in population databases (gnomAD no frequency). This sequence change replaces leucine, which is neutral and non-polar, with valine, which is neutral and non-polar, at codon 155 of the PPP2CA protein (p.Leu155Val).

NM_002715.4(PPP2CA):c.463C>G (p.Leu155Val)

Gene: PPP2CA (protein phosphatase 2 catalytic subunit alpha; minus strand). Cytogenetic location: 5q31.1.
Variant type: single nucleotide variant.
Coding change: c.463C>G on transcript NM_002715.4 (MANE Select); coding-DNA position 463, C replaced by G.
Protein change: p.Leu155Val; replaces leucine 155 with valine.
Molecular consequence: missense variant. On other transcripts: non-coding transcript variant (1).
Genome position (GRCh38, 1-based): chr5:134,201,871, G>C on the plus strand (C>G on the coding strand, the complement: PPP2CA is on the minus strand). VCF-style: chr5-134201871-G-C. GRCh37 (hg19) VCF-style: chr5-133537562-G-C.
Other names: c.268C>G, p.Leu90Val (NM_001355019.2); short protein forms L90V, L155V.
Identifiers: ClinVar variation 2112381 (VCV002112381.4), dbSNP rs2481051258, ClinGen allele CA360992935.